The following is an entry in ClinVar:

NM_001851.6(COL9A1):c.847_848del (p.Pro283fs)

Gene: COL9A1 (collagen type IX alpha 1 chain; minus strand). Cytogenetic location: 6q13.
Variant type: Deletion.
Coding change: c.847_848del on transcript NM_001851.6 (MANE Select); coding-DNA positions 847 to 848, 2 bases deleted (CC; older notation c.847_848delCC).
Protein change: p.Pro283fs; shifts the reading frame from proline 283.
Molecular consequence: frameshift variant. On other transcripts: non-coding transcript variant (1).
Genome position (GRCh38, 1-based): chr6:70,281,418-70,281,419, GG deleted on the plus strand (CC on the coding strand, the reverse complement: COL9A1 is on the minus strand); deleting any 2 consecutive bases within chr6:70,281,418-70,281,423 gives the same sequence; the c. name uses the placement nearest the transcript's 3' end. VCF-style (leftmost placement, unchanged base first): chr6-70281417-AGG-A. GRCh37 (hg19) VCF-style: chr6-70991120-AGG-A.
Other names: c.118_119del, p.Pro40fs (NM_001377289.1, NM_001377290.1, NM_078485.4); c.847_848del, p.Pro283fs (NM_001377291.1); short protein forms P283fs, P40fs.
Identifiers: ClinVar variation 2784112 (VCV002784112.3), dbSNP rs941174282, ClinGen allele CA2578664227.

ClinVar aggregate classification (germline): Pathogenic (1 of 4 stars; one submission).

Submission:

Labcorp Genetics (formerly Invitae), Labcorp
Classification: Pathogenic. Last evaluated: 2024-04-15. Review status: criteria provided, single submitter. Criteria: Invitae Variant Classification Sherloc (09022015). Collection method: clinical testing. Allele origin: germline.
Comment: This sequence change creates a premature translational stop signal (p.Pro283Trpfs*11) in the COL9A1 gene. It is expected to result in an absent or disrupted protein product. Loss-of-function variants in COL9A1 are known to be pathogenic (PMID: 16909383, 21421862). This variant is not present in population databases (gnomAD no frequency). This variant has not been reported in the literature in individuals affected with COL9A1-related conditions. For these reasons, this variant has been classified as Pathogenic.

Literature cited by the submitters: PubMed 16909383; PubMed 21421862.